The following is an entry in ClinVar:

NM_001851.6(COL9A1):c.15G>T (p.Trp5Cys)

Gene: COL9A1 (collagen type IX alpha 1 chain; minus strand). Cytogenetic location: 6q13.
Variant type: single nucleotide variant.
Coding change: c.15G>T on transcript NM_001851.6 (MANE Select); coding-DNA position 15, G replaced by T.
Protein change: p.Trp5Cys; replaces tryptophan 5 with cysteine.
Molecular consequence: missense variant.
Genome position (GRCh38, 1-based): chr6:70,302,074, C>A on the plus strand (G>T on the coding strand, the complement: COL9A1 is on the minus strand). VCF-style: chr6-70302074-C-A. GRCh37 (hg19) VCF-style: chr6-71011777-C-A.
Other names: c.15G>T, p.Trp5Cys (NM_001377291.1); short protein forms W5C.
Identifiers: ClinVar variation 1329732 (VCV001329732.3), dbSNP rs746596955, ClinGen allele CA3882964.

ClinVar aggregate classification (germline): Uncertain significance. Review status: criteria provided, multiple submitters, no conflicts (2 of 4 stars). 2 submissions from 2 submitters: Uncertain significance (2). Last evaluated 2023-01-11.

Allele frequency attached by ClinVar (database versions not stated): gnomAD exomes below 0.00001; ExAC 0.00001.
gnomAD v4.1: 3 of 1,608,350 alleles (0.00019%); highest among the groups gnomAD compares: Non-Finnish European, 0.00017%; no homozygotes.

Submissions (2):

Blueprint Genetics
Classification: Uncertain significance. Last evaluated: 2023-01-11. Review status: criteria provided, single submitter. Criteria: ACMG Guidelines, 2015. Collection method: clinical testing. Allele origin: germline.

GeneDx
Classification: Uncertain significance. Last evaluated: 2021-06-24. Review status: criteria provided, single submitter. Criteria: GeneDx Variant Classification Process June 2021. Collection method: clinical testing. Allele origin: germline. Affected: yes.
Comment: Has not been previously published as pathogenic or benign to our knowledge; Not observed at significant frequency in large population cohorts (Lek et al., 2016); In silico analysis supports that this missense variant does not alter protein structure/function; In-silico analysis, which includes splice predictors and evolutionary conservation, is inconclusive as to whether the variant alters gene splicing. In the absence of RNA/functional studies, the actual effect of this sequence change is unknown.; This variant is associated with the following publications: (PMID: 27535533)